The following is an entry in ClinVar:

NM_001035.3(RYR2):c.10718_10720del (p.Tyr3573del)

Gene: RYR2 (ryanodine receptor 2; plus strand). Cytogenetic location: 1q43.
Variant type: Deletion.
Coding change: c.10718_10720del on transcript NM_001035.3 (MANE Select); coding-DNA positions 10718 to 10720, 3 bases deleted (ACT; older notation c.10718_10720delACT).
Protein change: p.Tyr3573del; deletes tyrosine 3573.
Molecular consequence: inframe deletion.
Genome position (GRCh38, 1-based): chr1:237,726,301-237,726,303, ACT deleted; deleting any 3 consecutive bases within chr1:237,726,300-237,726,303 gives the same sequence; the c. name uses the placement nearest the transcript's 3' end. VCF-style (leftmost placement, unchanged base first): chr1-237726299-TTAC-T. GRCh37 (hg19) VCF-style: chr1-237889599-TTAC-T.
Other names: short protein forms Y3573del.
Identifiers: ClinVar variation 3073852 (VCV003073852.1), dbSNP rs2526985011, ClinGen allele CA2825000933.

ClinVar aggregate classification (germline): Uncertain significance (1 of 4 stars; one submission).

Conditions:
Catecholaminergic polymorphic ventricular tachycardia (CVPT). Also called: Catecholamine-induced polymorphic ventricular tachycardia. Identifiers: Orphanet 3286, MedGen C5574922, MONDO:0017990.

Submission:

All of Us Research Program, National Institutes of Health
Classification: Uncertain significance for Catecholaminergic polymorphic ventricular tachycardia. Last evaluated: 2023-10-06. Review status: criteria provided, single submitter. Criteria: ACMG Guidelines, 2015. Collection method: clinical testing. Allele origin: germline. Inheritance: Autosomal dominant inheritance. Observed: 1 variant allele, 1 heterozygote.
Comment: This variant results in a deletion of one amino acid in the RYR2 protein. To our knowledge, functional studies have not been reported for this variant. This variant has not been reported in individuals affected with RYR2-related disorders in the literature. This variant has not been identified in the general population by the Genome Aggregation Database (gnomAD). The available evidence is insufficient to determine the role of this variant in disease conclusively. Therefore, this variant is classified as a Variant of Uncertain Significance.

This study involves interpretation of variants in research participants for the purpose of population health screening. Participant phenotype was not available at the time of variant classification. Additional details can be found in publication PMID: 35346344, PMCID: PMC8962531